The following is an entry in ClinVar:

ClinVar aggregate classification (germline): Uncertain significance (1 of 4 stars; one submission).

Submission:

GeneDx
Classification: Uncertain significance. Last evaluated: 2025-08-21. Review status: criteria provided, single submitter. Criteria: GeneDx Variant Classification Process June 2021. Collection method: clinical testing. Allele origin: germline. Affected: yes.
Comment: Not observed at significant frequency in large population cohorts (gnomAD); In silico analysis supports a deleterious effect on splicing; Has not been previously published as pathogenic or benign to our knowledge

NM_015175.3(NBEAL2):c.5720+3G>C

Gene: NBEAL2 (neurobeachin like 2; plus strand). Cytogenetic location: 3p21.31.
Variant type: single nucleotide variant.
Coding change: c.5720+3G>C on transcript NM_015175.3 (MANE Select); 3 bases into the intron after coding-DNA position 5720, G replaced by C.
Molecular consequence: intron variant.
Genome position (GRCh38, 1-based): chr3:47,003,312, G>C. VCF-style: chr3-47003312-G-C. GRCh37 (hg19) VCF-style: chr3-47044802-G-C.
Other names: c.5618+3G>C (NM_001365116.2).
Identifiers: ClinVar variation 4812911 (VCV004812911.1).